The following is an entry in ClinVar:

ClinVar aggregate classification (germline): Likely benign. Review status: criteria provided, single submitter (1 of 4 stars). 2 submissions from 2 submitters: Likely benign (1). 1 of the submissions does not count toward it. Last evaluated 2024-11-01.

Conditions:
DPP6-related disorder. Also called: DPP6-related condition.

Allele frequency attached by ClinVar (database versions not stated): ExAC 0.00004; gnomAD 0.00010; ESP Exome Variant Server 0.00017; 1000 Genomes Project 0.00060; 1000 Genomes Project 30x 0.00078.
gnomAD v4.1: 54 of 1,612,254 alleles (0.0033%); highest among the groups gnomAD compares: African/African-American, 0.023%; no homozygotes.

Submissions (2):

CeGaT Center for Human Genetics Tuebingen
Classification: Likely benign. Last evaluated: 2024-11-01. Review status: criteria provided, single submitter. Criteria: CeGaT Center For Human Genetics Tuebingen Variant Classification Criteria Version 2. Collection method: clinical testing. Allele origin: germline. Affected: yes. Observed: 1 variant allele.
Comment: DPP6: BP4, BP7

PreventionGenetics, part of Exact Sciences
Classification: Likely benign for DPP6-related condition. Last evaluated: 2021-12-27. Review status: no assertion criteria provided. Collection method: clinical testing. Allele origin: germline. Not counted in ClinVar's aggregate classification.
Comment: This variant is classified as likely benign based on ACMG/AMP sequence variant interpretation guidelines (Richards et al. 2015 PMID: 25741868, with internal and published modifications).

NM_130797.4(DPP6):c.627+21114G>A

Gene: DPP6 (dipeptidyl peptidase like 6; plus strand). Cytogenetic location: 7q36.2.
Variant type: single nucleotide variant.
Coding change: c.627+21114G>A on transcript NM_130797.4 (MANE Select); 21114 bases into the intron after coding-DNA position 627, G replaced by A.
Molecular consequence: genic downstream transcript variant. On other transcripts: synonymous variant (1), 3 prime UTR variant (1).
Genome position (GRCh38, 1-based): chr7:154,588,030, G>A. VCF-style: chr7-154588030-G-A. GRCh37 (hg19) VCF-style: chr7-154379740-G-A.
Other names: c.1008G>A, p.Pro336= (NM_001290253.2); c.*856G>A (NM_001364502.2); c.444+21114G>A (NM_001364500.2, NM_001364499.2, NM_001364497.2 and 1 more transcripts); c.435+21114G>A (NM_001364501.2, NM_001039350.3); c.441+21114G>A (NM_001936.5, NM_001290252.2); c.1008G>A (NM_001290253.1).
Identifiers: ClinVar variation 2658258 (VCV002658258.25), dbSNP rs369399467, ClinGen allele CA4583228.